The following is an entry in ClinVar:

NM_133642.5(LARGE1):c.1005+3G>A

Gene: LARGE1 (LARGE xylosyl- and glucuronyltransferase 1; minus strand). Cytogenetic location: 22q12.3.
Variant type: single nucleotide variant.
Coding change: c.1005+3G>A on transcript NM_133642.5 (MANE Select); 3 bases into the intron after coding-DNA position 1005, G replaced by A.
Molecular consequence: intron variant.
Genome position (GRCh38, 1-based): chr22:33,384,189, C>T on the plus strand (G>A on the coding strand, the complement: LARGE1 is on the minus strand). VCF-style: chr22-33384189-C-T. GRCh37 (hg19) VCF-style: chr22-33780175-C-T.
Other names: c.1005+3G>A (NM_001362953.2, NM_001362949.2, NM_001378627.1 and 7 more transcripts); c.402+3G>A (NM_001378631.1, NM_001378630.1).
Identifiers: ClinVar variation 2081757 (VCV002081757.1), dbSNP rs374933167, ClinGen allele CA323721527.

ClinVar aggregate classification (germline): Uncertain significance (1 of 4 stars; one submission).

Conditions:
Muscular dystrophy-dystroglycanopathy type B6 (MDDGB6). Also called: MUSCULAR DYSTROPHY, CONGENITAL, LARGE-RELATED; MUSCULAR DYSTROPHY, CONGENITAL, TYPE 1D; MUSCULAR DYSTROPHY-DYSTROGLYCANOPATHY (CONGENITAL WITH IMPAIRED INTELLECTUAL DEVELOPMENT), TYPE B, 6. Identifiers: MedGen C1837229, MONDO:0012138, OMIM 608840.

Allele frequency attached by ClinVar (database versions not stated): gnomAD 0.00001; TOPMed 0.00001; gnomAD exomes 0.00004.
gnomAD v4.1: 55 of 1,608,678 alleles (0.0034%); highest among the groups gnomAD compares: Non-Finnish European, 0.0046%; no homozygotes.

Submission:

Labcorp Genetics (formerly Invitae), Labcorp
Classification: Uncertain significance for Muscular dystrophy-dystroglycanopathy type B6. Last evaluated: 2022-04-28. Review status: criteria provided, single submitter. Criteria: Invitae Variant Classification Sherloc (09022015). Collection method: clinical testing. Allele origin: germline.
Comment: This sequence change falls in intron 9 of the LARGE1 gene. It does not directly change the encoded amino acid sequence of the LARGE1 protein. It affects a nucleotide within the consensus splice site. This variant is present in population databases (rs374933167, gnomAD 0.0009%). This variant has not been reported in the literature in individuals affected with LARGE1-related conditions. Variants that disrupt the consensus splice site are a relatively common cause of aberrant splicing (PMID: 17576681, 9536098). Algorithms developed to predict the effect of sequence changes on RNA splicing suggest that this variant is not likely to affect RNA splicing. In summary, the available evidence is currently insufficient to determine the role of this variant in disease. Therefore, it has been classified as a Variant of Uncertain Significance.

Literature cited by the submitters: PubMed 17576681; PubMed 9536098.